The following is an entry in ClinVar:

ClinVar aggregate classification (germline): Uncertain significance (1 of 4 stars; one submission).

Submission:

Labcorp Genetics (formerly Invitae), Labcorp
Classification: Uncertain significance. Last evaluated: 2022-09-27. Review status: criteria provided, single submitter. Criteria: Invitae Variant Classification Sherloc (09022015). Collection method: clinical testing. Allele origin: germline.
Comment: This sequence change replaces alanine, which is neutral and non-polar, with valine, which is neutral and non-polar, at codon 811 of the IFT88 protein (p.Ala811Val). This variant is not present in population databases (gnomAD no frequency). This variant has not been reported in the literature in individuals affected with IFT88-related conditions. Algorithms developed to predict the effect of missense changes on protein structure and function are either unavailable or do not agree on the potential impact of this missense change (SIFT: "Not Available"; PolyPhen-2: "Possibly Damaging"; Align-GVGD: "Not Available"). In summary, the available evidence is currently insufficient to determine the role of this variant in disease. Therefore, it has been classified as a Variant of Uncertain Significance.

NM_006531.5(IFT88):c.2405C>T (p.Ala802Val)

Gene: IFT88 (intraflagellar transport 88; plus strand). Cytogenetic location: 13q12.11.
Variant type: single nucleotide variant.
Coding change: c.2405C>T on transcript NM_006531.5 (MANE Select); coding-DNA position 2405, C replaced by T.
Protein change: p.Ala802Val; replaces alanine 802 with valine.
Molecular consequence: missense variant. On other transcripts: 3 prime UTR variant (1), non-coding transcript variant (5).
Genome position (GRCh38, 1-based): chr13:20,691,105, C>T. VCF-style: chr13-20691105-C-T. GRCh37 (hg19) VCF-style: chr13-21265244-C-T.
Other names: c.2348C>T, p.Ala783Val (NM_001318491.2); c.2432C>T, p.Ala811Val (NM_001318493.2, NM_001353565.2, NM_001353566.2 and 2 more transcripts); c.2405C>T, p.Ala802Val (NM_001353568.2); c.2330C>T, p.Ala777Val (NM_001353569.2, NM_001353570.2); c.2303C>T, p.Ala768Val (NM_001353571.2); c.2294C>T, p.Ala765Val (NM_001353572.2); c.2261C>T, p.Ala754Val (NM_001353573.2); c.2246C>T, p.Ala749Val (NM_001353574.2); and 4 more; short protein forms A740V, A749V, A754V, A768V, A783V, A811V, A591V, A731V.
Identifiers: ClinVar variation 2167058 (VCV002167058.4), dbSNP rs967166357, ClinGen allele CA246510102.
Genomic context (GRCh38, chr13:20,691,105, plus strand): 5'-GAAACCTAGATGCCTCCTATGTGGACCCACTTGGCCCTCAAATAGAACGACCAAAAACTG[C>T]AGCCAAGAAAAGGATCGATGAGGATGATTTTGCTGATGAAGAATTAGGAGATGATTTGCT-3'
Protein context (NP_006522.2, residues 792-812): LGPQIERPKT[Ala802Val]AKKRIDEDDF